The following is an entry in ClinVar:

ClinVar aggregate classification (germline): Uncertain significance (1 of 4 stars; one submission).

Submission:

Labcorp Genetics (formerly Invitae), Labcorp
Classification: Uncertain significance. Last evaluated: 2022-05-03. Review status: criteria provided, single submitter. Criteria: Invitae Variant Classification Sherloc (09022015). Collection method: clinical testing. Allele origin: germline.
Comment: This variant is a gross deletion of the genomic region encompassing exon(s) 41-49 of the CACNA1D gene, which includes the termination codon. This deletion extends beyond the assayed region for this gene and therefore may encompass additional genes. While this deletion is not anticipated to lead to nonsense mediated decay, it is expected to alter mRNA translation or result in a truncated protein product. This variant has not been reported in the literature in individuals affected with CACNA1D-related conditions. Experimental studies and prediction algorithms are not available or were not evaluated, and the functional significance of this variant is currently unknown. In summary, the available evidence is currently insufficient to determine the role of this variant in disease. Therefore, it has been classified as a Variant of Uncertain Significance.

NC_000003.11:g.(?_53820829)_(53845433_?)del

Gene: CACNA1D (calcium voltage-gated channel subunit alpha1 D; plus strand). Cytogenetic location: 3p21.1.
Variant type: Deletion.
Identifiers: ClinVar variation 2423376 (VCV002423376.4).